The following is an entry in ClinVar:

NM_005219.5(DIAPH1):c.2605A>T (p.Met869Leu)

Gene: DIAPH1 (diaphanous related formin 1; minus strand). Cytogenetic location: 5q31.3.
Variant type: single nucleotide variant.
Coding change: c.2605A>T on transcript NM_005219.5 (MANE Select); coding-DNA position 2605, A replaced by T.
Protein change: p.Met869Leu; replaces methionine 869 with leucine.
Molecular consequence: missense variant.
Genome position (GRCh38, 1-based): chr5:141,529,674, T>A on the plus strand (A>T on the coding strand, the complement: DIAPH1 is on the minus strand). VCF-style: chr5-141529674-T-A. GRCh37 (hg19) VCF-style: chr5-140909241-T-A.
Other names: c.2578A>T, p.Met860Leu (NM_001079812.3); c.2605A>T, p.Met869Leu (NM_001314007.2); short protein forms M860L, M869L.
Identifiers: ClinVar variation 4790760 (VCV004790760.1).
Genomic context (GRCh38, chr5:141,529,674, plus strand): 5'-ACTCAGTCAGAACAGCCTCATTCACCTCCAGGATGACATTCTTAATCTCTTGATAGGGCA[T>A]GCGGAAGGAACCCAAAAAGATTGCTGCCAGAAAATGAGATATTAAGACATGTTCTTCTCG-3'
Protein context (NP_005210.3, residues 859-879): NLSIFLGSFR[Met869Leu]PYQEIKNVIL

ClinVar aggregate classification (germline): Uncertain significance (1 of 4 stars; one submission).

Conditions:
Progressive microcephaly-seizures-cortical blindness-developmental delay syndrome. Also called: Seizures, cortical blindness, and microcephaly syndrome. Identifiers: Orphanet 477814, MedGen C5567650, MONDO:0014714, OMIM 616632.
Autosomal dominant nonsyndromic hearing loss 1. Also called: KONIGSMARK SYNDROME; DEAFNESS, AUTOSOMAL DOMINANT 1, WITH OR WITHOUT THROMBOCYTOPENIA. Identifiers: Orphanet 90635, MedGen C1852282, MONDO:0007424, OMIM 124900.

Submission:

Labcorp Genetics (formerly Invitae), Labcorp
Classification: Uncertain significance for Progressive microcephaly-seizures-cortical blindness-developmental delay syndrome; Autosomal dominant nonsyndromic hearing loss 1. Last evaluated: 2025-06-08. Review status: criteria provided, single submitter. Criteria: Invitae Variant Classification Sherloc (09022015). Collection method: clinical testing. Allele origin: germline.
Comment: This sequence change replaces methionine, which is neutral and non-polar, with leucine, which is neutral and non-polar, at codon 869 of the DIAPH1 protein (p.Met869Leu). This variant is not present in population databases (gnomAD no frequency). This variant has not been reported in the literature in individuals affected with DIAPH1-related conditions. An algorithm developed to predict the effect of missense changes on protein structure and function (PolyPhen-2) suggests that this variant is likely to be tolerated. In summary, the available evidence is currently insufficient to determine the role of this variant in disease. Therefore, it has been classified as a Variant of Uncertain Significance.